The following is an entry in ClinVar:

ClinVar aggregate classification (germline): Likely benign. Review status: criteria provided, multiple submitters, no conflicts (2 of 4 stars). 2 submissions from 2 submitters: Likely benign (2). Last evaluated 2025-03-11.

gnomAD v4.1: 12 of 1,608,286 alleles (0.00075%); highest among the groups gnomAD compares: African/African-American, 0.011%; no homozygotes.

Submissions (2):

Labcorp Genetics (formerly Invitae), Labcorp
Classification: Likely benign. Last evaluated: 2025-03-11. Review status: criteria provided, single submitter. Criteria: Invitae Variant Classification Sherloc (09022015). Collection method: clinical testing. Allele origin: germline.

CeGaT Center for Human Genetics Tuebingen
Classification: Likely benign. Last evaluated: 2024-07-01. Review status: criteria provided, single submitter. Criteria: CeGaT Center For Human Genetics Tuebingen Variant Classification Criteria Version 2. Collection method: clinical testing. Allele origin: germline. Affected: yes. Observed: 1 variant allele.
Comment: AHDC1: BP4, BP7

NM_001371928.1(AHDC1):c.249G>T (p.Pro83=)

Gene: AHDC1 (AT-hook DNA binding motif containing 1; minus strand). Cytogenetic location: 1p36.11.
Variant type: single nucleotide variant.
Coding change: c.249G>T on transcript NM_001371928.1 (MANE Select); coding-DNA position 249, G replaced by T.
Protein change: p.Pro83=; no amino-acid change (proline 83 retained).
Molecular consequence: synonymous variant.
Genome position (GRCh38, 1-based): chr1:27,551,867, C>A on the plus strand (G>T on the coding strand, the complement: AHDC1 is on the minus strand). VCF-style: chr1-27551867-C-A. GRCh37 (hg19) VCF-style: chr1-27878378-C-A.
Other names: c.249G>T, p.Pro83= (NM_001029882.3).
Identifiers: ClinVar variation 3257134 (VCV003257134.18).